The following is an entry in ClinVar:

ClinVar aggregate classification (germline): Uncertain significance (1 of 4 stars; one submission).

Submission:

Labcorp Genetics (formerly Invitae), Labcorp
Classification: Uncertain significance. Last evaluated: 2025-12-03. Review status: criteria provided, single submitter. Criteria: Invitae Variant Classification Sherloc (09022015). Collection method: clinical testing. Allele origin: germline.
Comment: This sequence change replaces glycine, which is neutral and non-polar, with aspartic acid, which is acidic and polar, at codon 346 of the THBD protein (p.Gly346Asp). This variant is not present in population databases (gnomAD no frequency). This variant has not been reported in the literature in individuals affected with THBD-related conditions. Invitae Evidence Modeling of protein sequence and biophysical properties (such as structural, functional, and spatial information, amino acid conservation, physicochemical variation, residue mobility, and thermodynamic stability) indicates that this missense variant is expected to disrupt THBD protein function with a positive predictive value of 80%. In summary, the available evidence is currently insufficient to determine the role of this variant in disease. Therefore, it has been classified as a Variant of Uncertain Significance.

NM_000361.3(THBD):c.1037G>A (p.Gly346Asp)

Gene: THBD (thrombomodulin; minus strand). Cytogenetic location: 20p11.21.
Variant type: single nucleotide variant.
Coding change: c.1037G>A on transcript NM_000361.3 (MANE Select); coding-DNA position 1037, G replaced by A.
Protein change: p.Gly346Asp; replaces glycine 346 with aspartic acid.
Molecular consequence: missense variant.
Genome position (GRCh38, 1-based): chr20:23,048,468, C>T on the plus strand (G>A on the coding strand, the complement: THBD is on the minus strand). VCF-style: chr20-23048468-C-T. GRCh37 (hg19) VCF-style: chr20-23029105-C-T.
Other names: short protein forms G346D.
Identifiers: ClinVar variation 4742033 (VCV004742033.1).
Genomic context (GRCh38, chr20:23,048,468, plus strand): 5'-ACGGGCTCCACACACTCGCCGTCCACCAGGTCGTAGTTAGGGTAGCAGTGGCACTCGAAG[C>T]CACCCTGTGTGTTGACACAGCGCTGCGGACACGGACTGGGCTCCAGTATGCAGTCATCCA-3'
Protein context (NP_000352.1, residues 336-356): CPQRCVNTQG[Gly346Asp]FECHCYPNYD